The following is an entry in ClinVar:

ClinVar aggregate classification (germline): Uncertain significance (1 of 4 stars; one submission).

Conditions:
RASopathy. Also called: rasopathies; Noonan spectrum disorder. Identifiers: Orphanet 536391, MedGen C5555857, MONDO:0021060.

Submission:

Labcorp Genetics (formerly Invitae), Labcorp
Classification: Uncertain significance for RASopathy. Last evaluated: 2024-12-15. Review status: criteria provided, single submitter. Criteria: Invitae Variant Classification Sherloc (09022015). Collection method: clinical testing. Allele origin: germline.
Comment: This sequence change replaces leucine, which is neutral and non-polar, with serine, which is neutral and polar, at codon 195 of the RAF1 protein (p.Leu195Ser). This variant is not present in population databases (gnomAD no frequency). This variant has not been reported in the literature in individuals affected with RAF1-related conditions. Invitae Evidence Modeling incorporating data from in vitro experimental studies (internal data) indicates that this missense variant is not expected to disrupt RAF1 function with a negative predictive value of 80%. In summary, the available evidence is currently insufficient to determine the role of this variant in disease. Therefore, it has been classified as a Variant of Uncertain Significance.

NM_002880.4(RAF1):c.584T>C (p.Leu195Ser)

Gene: RAF1 (Raf-1 proto-oncogene, serine/threonine kinase; minus strand). Cytogenetic location: 3p25.2.
Variant type: single nucleotide variant.
Coding change: c.584T>C on transcript NM_002880.4 (MANE Select); coding-DNA position 584, T replaced by C.
Protein change: p.Leu195Ser; replaces leucine 195 with serine.
Molecular consequence: missense variant. On other transcripts: non-coding transcript variant (3), intron variant (2).
Genome position (GRCh38, 1-based): chr3:12,606,297, A>G on the plus strand (T>C on the coding strand, the complement: RAF1 is on the minus strand). VCF-style: chr3-12606297-A-G. GRCh37 (hg19) VCF-style: chr3-12647796-A-G.
Other names: c.584T>C, p.Leu195Ser (NM_001354689.3, NM_001354690.3); c.341T>C, p.Leu114Ser (NM_001354691.3, NM_001354692.3, NM_001354694.3); c.339-2008T>C (NM_001354695.3); c.582-2008T>C (NM_001354693.3); short protein forms L114S, L195S.
Identifiers: ClinVar variation 3664573 (VCV003664573.2).
Genomic context (GRCh38, chr3:12,606,297, plus strand): 5'-CGCATAGTCAAAGAAGGTAGTGCTGGGACTCCACTATCACCAATAGTGGAATTTGGAAAC[A>G]ATCTAAACAAAAGCAGGGAAAGACTGGTTTTTAGGCTTGCAGTAATCTTACAGAGACAAT-3'
Protein context (NP_002871.1, residues 185-205): VDWSNIRQLL[Leu195Ser]FPNSTIGDSG